The following is an entry in ClinVar:

NM_000334.4(SCN4A):c.4100T>C (p.Met1367Thr)

Genes: GH-LCR (growth hormone locus control region; plus strand), SCN4A (sodium voltage-gated channel alpha subunit 4; minus strand). Cytogenetic location: 17q23.3.
Variant type: single nucleotide variant.
Coding change: c.4100T>C on transcript NM_000334.4 (MANE Select); coding-DNA position 4100, T replaced by C.
Protein change: p.Met1367Thr; replaces methionine 1367 with threonine.
Molecular consequence: missense variant.
Genome position (GRCh38, 1-based): chr17:63,943,014, A>G on the plus strand (T>C on the coding strand, the complement: SCN4A is on the minus strand). VCF-style: chr17-63943014-A-G. GRCh37 (hg19) VCF-style: chr17-62020374-A-G.
Other names: short protein forms M1367T.
Identifiers: ClinVar variation 4766709 (VCV004766709.1).

ClinVar aggregate classification (germline): Uncertain significance (1 of 4 stars; one submission).

Conditions:
Hyperkalemic periodic paralysis. Also called: Familial hyperkalemic periodic paralysis; Gamstorp disease. Identifiers: Orphanet 682, MedGen C0238357, MONDO:0008224, OMIM 170500, HP:0007215.

Submission:

Labcorp Genetics (formerly Invitae), Labcorp
Classification: Uncertain significance for Hyperkalemic periodic paralysis. Last evaluated: 2025-09-11. Review status: criteria provided, single submitter. Criteria: Invitae Variant Classification Sherloc (09022015). Collection method: clinical testing. Allele origin: germline.
Comment: This sequence change replaces methionine, which is neutral and non-polar, with threonine, which is neutral and polar, at codon 1367 of the SCN4A protein (p.Met1367Thr). This variant is not present in population databases (gnomAD no frequency). This variant has not been reported in the literature in individuals affected with SCN4A-related conditions. Invitae Evidence Modeling of protein sequence and biophysical properties (such as structural, functional, and spatial information, amino acid conservation, physicochemical variation, residue mobility, and thermodynamic stability) indicates that this missense variant is expected to disrupt SCN4A protein function with a positive predictive value of 80%. In summary, the available evidence is currently insufficient to determine the role of this variant in disease. Therefore, it has been classified as a Variant of Uncertain Significance.